The following is an entry in ClinVar:

ClinVar aggregate classification (germline): Uncertain significance (1 of 4 stars; one submission).

Submission:

Ambry Genetics
Classification: Uncertain significance. Last evaluated: 2025-11-22. Review status: criteria provided, single submitter. Criteria: Ambry Variant Classification Scheme 2023. Collection method: clinical testing. Allele origin: germline.
Comment: The p.A38T variant (also known as c.112G>A), located in coding exon 1 of the GFI1 gene, results from a G to A substitution at nucleotide position 112. The alanine at codon 38 is replaced by threonine, an amino acid with similar properties. This amino acid position is conserved. In addition, this alteration is predicted to be tolerated by in silico analysis. Based on the available evidence, the clinical significance of this variant remains unclear.

NM_005263.5(GFI1):c.112G>A (p.Ala38Thr)

Gene: GFI1 (growth factor independent 1 transcriptional repressor; minus strand). Cytogenetic location: 1p22.1.
Variant type: single nucleotide variant.
Coding change: c.112G>A on transcript NM_005263.5 (MANE Select); coding-DNA position 112, G replaced by A.
Protein change: p.Ala38Thr; replaces alanine 38 with threonine.
Molecular consequence: missense variant.
Genome position (GRCh38, 1-based): chr1:92,483,376, C>T on the plus strand (G>A on the coding strand, the complement: GFI1 is on the minus strand). VCF-style: chr1-92483376-C-T. GRCh37 (hg19) VCF-style: chr1-92948933-C-T.
Other names: c.112G>A, p.Ala38Thr (NM_001127215.3, NM_001127216.3); short protein forms A38T.
Identifiers: ClinVar variation 4671604 (VCV004671604.1).
Genomic context (GRCh38, chr1:92,483,376, plus strand): 5'-CGAGGTGCAGTAGGCATCCGGGGGAGCAGCCCCGCCTGGCCCGCGCGCGCCTCGCACCTG[C>T]TCGGCTAGGCGCCGGTACATTCTCTAAACGGAGGGAATAGTCTGGTCCTGGGGAGCGCGG-3'
Protein context (NP_005254.2, residues 28-48): RLENVPAPSR[Ala38Thr]DSTSNAGGAK